The following is an entry in ClinVar:

ClinVar aggregate classification (germline): Benign. Review status: criteria provided, multiple submitters, no conflicts (2 of 4 stars). 12 submissions from 12 submitters: Benign (10). 2 of the submissions do not count toward it. Last evaluated 2026-02-04.

Conditions:
Polycystic kidney disease 4 (PKD4). Also called: POLYCYSTIC KIDNEY AND HEPATIC DISEASE 1; POLYCYSTIC KIDNEY DISEASE, INFANTILE, TYPE I; POLYCYSTIC KIDNEY DISEASE 4 WITH OR WITHOUT POLYCYSTIC LIVER DISEASE; Autosomal Recessive Polycystic Kidney Disease – PKHD1; PKD3. Identifiers: MedGen C4540575, MONDO:0033004, OMIM 263200.
Autosomal recessive polycystic kidney disease (ARPKD). Also called: AR polycystic kidney disease. Identifiers: Orphanet 731, Orphanet 8378, MedGen C0085548, MeSH D017044, MONDO:0009889.
Polycystic kidney disease. Also called: Polycystic kidney dysplasia; Kidney, Polycystic. Identifiers: MedGen C0022680, MeSH D007690, MONDO:0020642, HP:0000113.

Allele frequency attached by ClinVar (database versions not stated): 1000 Genomes Project 30x 0.95112; gnomAD exomes 0.98957 and 0.99621; ExAC 0.98719; ESP Exome Variant Server 0.95387; TOPMed 0.95543; gnomAD 0.95778 and 0.96075; 1000 Genomes Project 0.95587.
gnomAD v4.1: 1,585,553 of 1,597,222 alleles (99%); highest among the groups gnomAD compares: East Asian, 100%; 787,696 homozygotes.

Submissions (12):

Labcorp Genetics (formerly Invitae), Labcorp
Classification: Benign for Autosomal recessive polycystic kidney disease. Last evaluated: 2026-02-04. Review status: criteria provided, single submitter. Criteria: Invitae Variant Classification Sherloc (09022015). Collection method: clinical testing. Allele origin: germline.

Blueprint Genetics
Classification: Benign. Last evaluated: 2024-11-27. Review status: criteria provided, single submitter. Criteria: ACMG Guidelines, 2015. Collection method: clinical testing. Allele origin: germline.

Mayo Clinic Laboratories, Mayo Clinic
Classification: Benign. Last evaluated: 2022-09-30. Review status: criteria provided, single submitter. Criteria: ACMG Guidelines, 2015. Collection method: clinical testing. Allele origin: germline. Observed: 762 variant alleles.
Comment: BA1

Genome-Nilou Lab
Classification: Benign for Polycystic kidney disease 4. Last evaluated: 2021-09-05. Review status: criteria provided, single submitter. Criteria: ACMG Guidelines, 2015. Collection method: clinical testing. Allele origin: germline. Affected: no.

Pars Genome Lab
Classification: Benign for Polycystic kidney disease 4. Last evaluated: 2021-06-19. Review status: criteria provided, single submitter. Criteria: ACMG Guidelines, 2015. Collection method: clinical testing. Allele origin: germline. Affected: no.

Mendelics
Classification: Benign for Polycystic kidney disease 4. Last evaluated: 2019-05-28. Review status: criteria provided, single submitter. Criteria: Mendelics Assertion Criteria 2017. Collection method: clinical testing. Allele origin: unknown.

GeneDx
Classification: Benign. Last evaluated: 2018-07-09. Review status: criteria provided, single submitter. Criteria: GeneDx Variant Classification Process June 2021. Collection method: clinical testing. Allele origin: germline. Affected: yes.
Comment: This variant is associated with the following publications: (PMID: 28509106)

Illumina Laboratory Services, Illumina
Classification: Benign for Polycystic kidney disease 4. Last evaluated: 2018-01-13. Review status: criteria provided, single submitter. Criteria: ICSL Variant Classification Criteria 13 December 2019. Collection method: clinical testing. Allele origin: germline.
Comment: This variant was observed in the ICSL laboratory as part of a predisposition screen in an ostensibly healthy population. It had not been previously curated by ICSL or reported in the Human Gene Mutation Database (HGMD: prior to June 1st, 2018), and was therefore a candidate for classification through an automated scoring system. Utilizing variant allele frequency, disease prevalence and penetrance estimates, and inheritance mode, an automated score was calculated to assess if this variant is too frequent to cause the disease. Based on the score and internal cut-off values, a variant classified as benign is not then subjected to further curation. The score for this variant resulted in a classification of benign for this disease.

Eurofins Ntd Llc (ga)
Classification: Benign. Last evaluated: 2015-10-27. Review status: criteria provided, single submitter. Criteria: EGL Classification Definitions 2015. Collection method: clinical testing. Allele origin: germline. Observed: 174 variant alleles, 4 heterozygotes, 170 homozygotes.

PreventionGenetics, part of Exact Sciences
Classification: Benign. Review status: criteria provided, single submitter. Criteria: ACMG Guidelines, 2015. Collection method: clinical testing. Allele origin: germline.

Natera, Inc.
Classification: Benign for Autosomal recessive polycystic kidney disease. Last evaluated: 2017-05-11. Review status: no assertion criteria provided. Collection method: clinical testing. Allele origin: germline. Not counted in ClinVar's aggregate classification.

Department of Pathology and Laboratory Medicine, Sinai Health System
Classification: Benign for Polycystic Kidney disease. Review status: no assertion criteria provided. Collection method: clinical testing. Allele origin: unknown. Affected: yes. Study: The Canadian Open Genetics Repository (COGR). Not counted in ClinVar's aggregate classification.
Comment: The PKHD1 p.Leu1870Val variant was identified in RWTH AAachen University ARPKD database as a polymorphism, noting the variant is c.5608G>T (current reference base T), p.Val1870Leu (current reference amino acid Leu), and in control databases in 3683 of 277008 chromosomes at a frequency of 0.0133 (Genome Aggregation Database Feb 27, 2017). Breakdown of the observations by population include African in 3337 of 24020 chromosomes (freq: 0.1389), Other in 38 of 6468 chromosomes (freq: .0059), Latino in 234 of 34402 chromosomes (freq: .0068), European Non-Finnish in 56 of 126528 chromosomes (freq: .0004), Ashkenazi Jewish in 10 of 10148 chromosomes (freq: .001), East Asian in 1 of 18868 chromosomes (freq: 0.0001), and South Asian in 7 of 30782 chromosomes (freq: 0.0002), while not observed in the European Finnish population. The previously recognized PKHD1 p.Leu1870Val variant was identified dbSNP (ID: rs2435322) â€šÃ„ÃºWith Benign alleleâ€šÃ„Ã¹, ClinVar (classified benign by EGL Genetic Diagnostics (Eurofins Clinical Diagnostics), Prevention Genetics, Illumina), Clinvitae (3x), and was not identified in the literature or LOVD 3.0. The previously recognized p.Leu1870 residue is not conserved in mammals and computational analyses (PolyPhen-2, SIFT, AlignGVGD, BLOSUM, MutationTaster) do not suggest a high likelihood of Val impacting the protein; however, this information is not predictive enough to rule out pathogenicity. The variant occurs outside of the splicing consensus sequence and in silico or computational prediction software programs (SpliceSiteFinder, MaxEntScan, NNSPLICE, GeneSplicer, HumanSpliceFinder) do not predict a difference in splicing. In summary, based on the above information this variant meets our laboratory criteria to be classified as benign.

NM_138694.4(PKHD1):c.5608T>G (p.Leu1870Val)

Gene: PKHD1 (PKHD1 ciliary IPT domain containing fibrocystin/polyductin; minus strand). Cytogenetic location: 6p12.2.
Variant type: single nucleotide variant.
Coding change: c.5608T>G on transcript NM_138694.4 (MANE Select); coding-DNA position 5608, T replaced by G.
Protein change: p.Leu1870Val; replaces leucine 1870 with valine.
Molecular consequence: missense variant.
Genome position (GRCh38, 1-based): chr6:52,010,452, A>C on the plus strand (T>G on the coding strand, the complement: PKHD1 is on the minus strand). VCF-style: chr6-52010452-A-C. GRCh37 (hg19) VCF-style: chr6-51875250-A-C.
Other names: c.5608T>G, p.Leu1870Val (NM_170724.3); short protein forms L1870V.
Identifiers: ClinVar variation 96410 (VCV000096410.37), dbSNP rs2435322, ClinGen allele CA149514.
Genomic context (GRCh38, chr6:52,010,452, plus strand): 5'-CCTCAGTTTCCATGGTAATGTTACAGGAGCTATTATAGATGAGAACTTCATCTCTTTCCA[A>C]TTTAGGGCTGAAACGAGAGGGGAGGTTAAATGGGGTGTCATCAATCTTAATGAAATGCAA-3'
Protein context (NP_619639.3, residues 1860-1880): SFSGLFISPK[Leu1870Val]ERDEVLIYNS